The following is an entry in ClinVar:

NM_001394372.1(BICRA):c.235G>T (p.Asp79Tyr)

Gene: BICRA (BRD4 interacting chromatin remodeling complex associated protein; plus strand). Cytogenetic location: 19q13.33.
Variant type: single nucleotide variant.
Coding change: c.235G>T on transcript NM_001394372.1 (MANE Select); coding-DNA position 235, G replaced by T.
Protein change: p.Asp79Tyr; replaces aspartic acid 79 with tyrosine.
Molecular consequence: missense variant.
Genome position (GRCh38, 1-based): chr19:47,679,405, G>T. VCF-style: chr19-47679405-G-T. GRCh37 (hg19) VCF-style: chr19-48182662-G-T.
Other names: c.235G>T, p.Asp79Tyr (NM_015711.3); short protein forms D79Y.
Identifiers: ClinVar variation 4278896 (VCV004278896.2).

ClinVar aggregate classification (germline): Uncertain significance (1 of 4 stars; one submission).

Submission:

GeneDx
Classification: Uncertain significance. Last evaluated: 2026-05-15. Review status: criteria provided, single submitter. Criteria: GeneDx Variant Classification Process June 2021. Collection method: clinical testing. Allele origin: germline.
Comment: Not observed at significant frequency in large population cohorts (gnomAD); In silico analysis supports that this missense variant has a deleterious effect on protein structure/function; Has not been previously published as pathogenic or benign to our knowledge